The following is an entry in ClinVar:

NM_002454.3(MTRR):c.1438A>G (p.Thr480Ala)

Gene: MTRR (5-methyltetrahydrofolate-homocysteine methyltransferase reductase; plus strand). Cytogenetic location: 5p15.31.
Variant type: single nucleotide variant.
Coding change: c.1438A>G on transcript NM_002454.3 (MANE Select); coding-DNA position 1438, A replaced by G.
Protein change: p.Thr480Ala; replaces threonine 480 with alanine.
Molecular consequence: missense variant. On other transcripts: non-coding transcript variant (14).
Genome position (GRCh38, 1-based): chr5:7,892,794, A>G. VCF-style: chr5-7892794-A-G. GRCh37 (hg19) VCF-style: chr5-7892907-A-G.
Other names: c.1438A>G, p.Thr480Ala (NM_001364440.2, NM_001364441.2, NM_001364442.2 and 1 more transcripts); short protein forms T480A.
Identifiers: ClinVar variation 2184508 (VCV002184508.4), dbSNP rs1013781615, ClinGen allele CA113811796.

ClinVar aggregate classification (germline): Uncertain significance (1 of 4 stars; one submission).

Conditions:
Methylcobalamin deficiency type cblE (HMAE). Also called: VITAMIN B12-RESPONSIVE HOMOCYSTINURIA, cblE TYPE; HOMOCYSTINURIA-MEGALOBLASTIC ANEMIA, cblE COMPLEMENTATION TYPE; HOMOCYSTINURIA-MEGALOBLASTIC ANEMIA, cblE TYPE. Identifiers: Orphanet 2169, Orphanet 622, MedGen C1856057, MONDO:0009354, OMIM 236270.

Allele frequency attached by ClinVar (database versions not stated): TOPMed below 0.00001; gnomAD 0.00001.
gnomAD v4.1: 1 of 1,614,114 alleles (0.000062%); highest among the groups gnomAD compares: African/African-American, 0.0013%; no homozygotes.

Submission:

Labcorp Genetics (formerly Invitae), Labcorp
Classification: Uncertain significance for Methylcobalamin deficiency type cblE. Last evaluated: 2022-11-08. Review status: criteria provided, single submitter. Criteria: Invitae Variant Classification Sherloc (09022015). Collection method: clinical testing. Allele origin: germline.
Comment: This sequence change replaces threonine, which is neutral and polar, with alanine, which is neutral and non-polar, at codon 480 of the MTRR protein (p.Thr480Ala). This variant is not present in population databases (gnomAD no frequency). This variant has not been reported in the literature in individuals affected with MTRR-related conditions. Algorithms developed to predict the effect of missense changes on protein structure and function output the following: SIFT: "Tolerated"; PolyPhen-2: "Benign"; Align-GVGD: "Class C0". The alanine amino acid residue is found in multiple mammalian species, which suggests that this missense change does not adversely affect protein function. In summary, the available evidence is currently insufficient to determine the role of this variant in disease. Therefore, it has been classified as a Variant of Uncertain Significance.